The following is an entry in ClinVar:

NM_000257.4(MYH7):c.3100-2A>C

Gene: MYH7 (myosin heavy chain 7; minus strand). Cytogenetic location: 14q11.2.
Variant type: single nucleotide variant.
Coding change: c.3100-2A>C on transcript NM_000257.4 (MANE Select); the canonical splice acceptor site of the intron before coding-DNA position 3100, A replaced by C.
Molecular consequence: splice acceptor variant.
Genome position (GRCh38, 1-based): chr14:23,422,327, T>G on the plus strand (A>C on the coding strand, the complement: MYH7 is on the minus strand). VCF-style: chr14-23422327-T-G. GRCh37 (hg19) VCF-style: chr14-23891536-T-G.
Other names: c.3100-2A>C (NM_001407004.1).
Identifiers: ClinVar variation 919218 (VCV000919218.39), dbSNP rs759013925, ClinGen allele CA035633.

ClinVar aggregate classification (germline): Conflicting classifications of pathogenicity. Review status: criteria provided, conflicting classifications (1 of 4 stars). 10 submissions from 10 submitters: Likely pathogenic (1); Uncertain significance (9). Last evaluated 2025-12-08.

Conditions:
Myopathy, myosin storage, autosomal recessive (CMYO7B). Also called: CONGENITAL MYOPATHY 7B, MYOSIN STORAGE, AUTOSOMAL RECESSIVE. Identifiers: Orphanet 636970, MedGen C1850709, MONDO:0009708, OMIM 255160.
Congenital myopathy with fiber type disproportion. Also called: Congenital fiber-type disproportion myopathy; Congenital fiber-type disproportion. Identifiers: Orphanet 2020, MedGen C0546264, MONDO:0009711. Inheritance: all.
Hypertrophic cardiomyopathy 1 (CMH1). Also called: Familial hypertrophic cardiomyopathy 1; MYH7-Related Familial Hypertrophic Cardiomyopathy. Identifiers: MedGen C3495498, MONDO:0008647, OMIM 192600.
Myosin storage myopathy (CMYO7A). Also called: MYOPATHY WITH LYSIS OF TYPE I MYOFIBRILS; SCAPULOPERONEAL MUSCULAR DYSTROPHY; SCAPULOPERONEAL SYNDROME, MYOPATHIC TYPE; MYOPATHY, HYALINE BODY, AUTOSOMAL DOMINANT; MYH7-related late-onset scapuloperoneal muscular dystrophy; Congenital myopathy 7A, myosin storage, autosomal dominant. Identifiers: Orphanet 437572, Orphanet 636965, MedGen C1842160, MONDO:0008409, OMIM 608358.
MYH7-related skeletal myopathy. Also called: Myopathy, distal, 1; MYOPATHY, DISTAL, EARLY-ONSET, AUTOSOMAL DOMINANT; MYOPATHY, LATE DISTAL HEREDITARY; Laing distal myopathy; Laing early-onset distal myopathy. Identifiers: Orphanet 59135, MedGen C4552004, MONDO:0008050, OMIM 160500.
Dilated cardiomyopathy 1S (CMD1S). Identifiers: Orphanet 154, Orphanet 54260, MedGen C1834481, MONDO:0013262, OMIM 613426.
Cardiomyopathy (CMYO). Also called: Cardiomyopathies. Identifiers: Orphanet 167848, MedGen C0878544, MONDO:0004994, HP:0001638. Inheritance: Various modes of inheritance.
Hypertrophic cardiomyopathy. Also called: HYPERTROPHIC MYOCARDIOPATHY. Identifiers: Orphanet 217569, MedGen C0007194, MeSH D002312, MONDO:0005045, HP:0001639.
Cardiovascular phenotype. Identifiers: MedGen CN230736.

Allele frequency attached by ClinVar (database versions not stated): gnomAD exomes 0.00001 and 0.00002; gnomAD 0.00002 and 0.00003; TOPMed 0.00002; ExAC 0.00001.
gnomAD v4.1: 18 of 1,614,060 alleles (0.0011%); highest among the groups gnomAD compares: Non-Finnish European, 0.0015%; no homozygotes.

Submissions (10):

Ambry Genetics
Classification: Uncertain significance for Cardiovascular phenotype. Last evaluated: 2025-12-08. Review status: criteria provided, single submitter. Criteria: Ambry Variant Classification Scheme 2023. Collection method: clinical testing. Allele origin: germline.
Comment: The c.3100-2A>C intronic variant results from an A to C substitution two nucleotides upstream from coding exon 23 in the MYH7 gene. This variant has been detected in individuals from noncompaction and dilated cardiomyopathy cohorts; however, some cases had other variants in cardiac-related genes (van Waning JI et al. J. Am. Coll. Cardiol., 2018 02;71:711-722; Herkert JC et al. Genet. Med., 2018 11;20:1374-1386; van Lint FHM et al. Neth Heart J. 2019 Jun;27(6):304-309). This nucleotide position is highly conserved in available vertebrate species. In silico splice site analysis predicts that this alteration will weaken the native splice acceptor site and will result in the creation or strengthening of a novel splice acceptor site. Alterations that disrupt the canonical splice site are expected to cause aberrant splicing, resulting in an abnormal protein or a transcript that is subject to nonsense-mediated mRNA decay. However, loss of function of MYH7 has not been clearly established as a mechanism of disease. Based on the available evidence, the clinical significance of this alteration remains unclear.

Labcorp Genetics (formerly Invitae), Labcorp
Classification: Uncertain significance for Hypertrophic cardiomyopathy. Last evaluated: 2025-05-22. Review status: criteria provided, single submitter. Criteria: Invitae Variant Classification Sherloc (09022015). Collection method: clinical testing. Allele origin: germline.
Comment: This sequence change affects an acceptor splice site in intron 24 of the MYH7 gene. It is expected to disrupt RNA splicing. Variants that disrupt the donor or acceptor splice site typically lead to a loss of protein function (PMID: 16199547), however the current clinical and genetic evidence is not sufficient to establish whether loss-of-function variants in MYH7 cause disease. This variant is present in population databases (rs759013925, gnomAD 0.004%). Disruption of this splice site has been observed in individual(s) with clinical features of MYH7-related conditions (PMID: 29447731, 29517769, 30847666). ClinVar contains an entry for this variant (Variation ID: 919218). Algorithms developed to predict the effect of sequence changes on RNA splicing suggest that this variant may disrupt the consensus splice site. In summary, the available evidence is currently insufficient to determine the role of this variant in disease. Therefore, it has been classified as a Variant of Uncertain Significance.

Color Diagnostics, LLC DBA Color Health
Classification: Uncertain significance for Cardiomyopathy. Last evaluated: 2024-09-09. Review status: criteria provided, single submitter. Criteria: ACMG Guidelines, 2015. Collection method: clinical testing. Allele origin: germline.
Comment: This variant causes an A to C nucleotide substitution at the -2 position of intron 24 of the MYH7 gene. Splice prediction tools suggest that this variant may disrupt RNA splicing. To our knowledge, RNA studies have not been reported for this variant. This variant has been reported in individuals affected with dilated cardiomyopathy (PMID: 29517769, 30847666), left ventricular non-compaction (PMID: 33500567), noncompaction cardiomyopathy (PMID: 30847666, 32445794), and in an individual affected with hypertrophic cardiomyopathy who also carried a different MYH7 pathogenic missense variant (van Velzen 2018, dissertation, Erasmus University Rotterdam). This variant has also been identified in 7/282820 chromosomes in the general population by the Genome Aggregation Database (gnomAD). Clinical relevance of loss-of-function MYH7 truncation and splice variants in autosomal dominant cardiovascular disorders is not clearly established. The available evidence is insufficient to determine the role of this variant in disease conclusively. Therefore, this variant is classified as a Variant of Uncertain Significance.

All of Us Research Program, National Institutes of Health
Classification: Uncertain significance for Cardiomyopathy. Last evaluated: 2024-05-09. Review status: criteria provided, single submitter. Criteria: ACMG Guidelines, 2015. Collection method: clinical testing. Allele origin: germline. Inheritance: Autosomal dominant inheritance. Observed: 14 variant alleles, 14 heterozygotes.
Comment: This variant causes an A to C nucleotide substitution at the -2 position of intron 24 of the MYH7 gene. Splice prediction tools suggest that this variant may disrupt RNA splicing. To our knowledge, functional studies have not been reported for this variant. This variant has been reported in individuals affected with dilated cardiomyopathy (PMID: 29517769), left ventricular non-compaction (Mazzarotto et al. 2020, DOI: 10.1101/2020.01.03.19015602), noncompaction cardiomyopathy (van Waning 2020, dissertation, Erasmus University Rotterdam), and in an individual affected with hypertrophic cardiomyopathy in compound heterozygosity with a different MYH7 pathogenic missense variant (van Velzen 2018, dissertation, Erasmus University Rotterdam). This variant has also been identified in 7/282820 chromosomes in the general population by the Genome Aggregation Database (gnomAD). Clinical relevance of loss-of-function MYH7 truncation variants in autosomal dominant cardiovascular disorders is not clearly established. The available evidence is insufficient to determine the role of this variant in disease conclusively. Therefore, this variant is classified as a Variant of Uncertain Significance.

This study involves interpretation of variants in research participants for the purpose of population health screening. Participant phenotype was not available at the time of variant classification. Additional details can be found in publication PMID: 35346344, PMCID: PMC8962531

CeGaT Center for Human Genetics Tuebingen
Classification: Uncertain significance. Last evaluated: 2024-04-01. Review status: criteria provided, single submitter. Criteria: CeGaT Center For Human Genetics Tuebingen Variant Classification Criteria Version 2. Collection method: clinical testing. Allele origin: germline. Affected: yes. Observed: 1 variant allele.
Comment: MYH7: PS4:Moderate, PM2:Supporting, PVS1:Supporting

Blueprint Genetics
Classification: Uncertain significance. Last evaluated: 2023-08-28. Review status: criteria provided, single submitter. Criteria: ACMG Guidelines, 2015. Collection method: clinical testing. Allele origin: germline.

GeneDx
Classification: Uncertain significance. Last evaluated: 2023-02-15. Review status: criteria provided, single submitter. Criteria: GeneDx Variant Classification Process June 2021. Collection method: clinical testing. Allele origin: germline. Affected: yes.
Comment: Canonical splice site variant in a gene for which loss-of-function is not a known mechanism of disease; This variant is associated with the following publications: (PMID: 29517769, 33500567, 30847666, 29447731)

Phosphorus, Inc.
Classification: Uncertain significance. Last evaluated: 2022-01-19. Review status: criteria provided, single submitter. Criteria: ACMG Guidelines, 2015. Collection method: clinical testing. Allele origin: germline. Inheritance: Autosomal dominant inheritance.
Comment: This splice-acceptor variant is located -2 bp away from the canonical splice-site in intron 24 out of 39 total introns of the MYH7 gene. This variant has an entry in ClinVar (919218) NM_000257.4 (MYH7): c.3100-2A>C and has occurred in GnomAD with a total MAF of 0.0016% and highest MAF of 0.0036% in the European population. This position is conserved. In silico splicing algorithms predicted that this variant will impact splicing (dbscSNV = 0.9279, MaxEntScan = 183.565% difference) and defective splicing in the MYH7 gene has previously been associated with hypertrophic cardiomyopathy and dilated cardiomyopathy (PMID: 32079122, 20124440). This variant has previously been reported in an individual affected with dilated cardiomyopathy (PMID: 29517769). Further evidence is needed to establish whether this variant contributes to disease formation. It has therefore been classified as a Variant of Uncertain Significance.

Fulgent Genetics
Classification: Uncertain significance for MYH7-related skeletal myopathy; Myosin storage myopathy; Hypertrophic cardiomyopathy 1; Myopathy, myosin storage, autosomal recessive; Congenital myopathy 4A, autosomal dominant; Dilated cardiomyopathy 1S. Last evaluated: 2021-10-28. Review status: criteria provided, single submitter. Criteria: ACMG Guidelines, 2015. Collection method: clinical testing. Allele origin: unknown.

Laboratory for Molecular Medicine, Mass General Brigham Personalized Medicine
Classification: Likely pathogenic for Hypertrophic cardiomyopathy. Last evaluated: 2019-05-02. Review status: criteria provided, single submitter. Criteria: ACMG Guidelines, 2015. Collection method: clinical testing. Allele origin: germline. Inheritance: Autosomal recessive inheritance.
Comment: The c.3100-2A>C variant in MYH7 has been reported in 1 individual with non-compaction cardiomyopathy (van Waning 2018). It has also been identified in 6/129142 European chromosomes by gnomAD. This variant occurs within the canonical splice site (+/- 1,2) and is predicted to cause altered splicing leading to an abnormal or absent protein. Although heterozygous loss-of-function (LOF) variants in MYH7 are not believed to be pathogenic for dominant forms of cardiomyopathy, there is evidence that can they lead to severe and early onset disease when present in trans with a second MYH7 variant (LMM data). In summary, while the clinical significance of the c.3100-2A>C variant on its own is unclear, it meets criteria to be classified as likely pathogenic for autosomal recessive HCM. ACMG/AMP Criteria applied: PVS1, PM2.

Literature cited by the submitters: PubMed 29447731 (cited by 3 submitters); PubMed 29517769 (cited by 4 submitters); PubMed 30847666 (cited by 3 submitters); PubMed 16199547 (cited by Labcorp Genetics (formerly Invitae), Labcorp); PubMed 32445794 (cited by Color Diagnostics, LLC DBA Color Health); PubMed 33500567 (cited by Color Diagnostics, LLC DBA Color Health).